The following is an entry in ClinVar:

NM_000426.4(LAMA2):c.7788del (p.Val2597fs)

Gene: LAMA2 (laminin subunit alpha 2; plus strand). Cytogenetic location: 6q22.33.
Variant type: Deletion.
Coding change: c.7788del on transcript NM_000426.4 (MANE Select); coding-DNA position 7788, one base deleted (A; older notation c.7788delA).
Protein change: p.Val2597fs; shifts the reading frame from valine 2597.
Molecular consequence: frameshift variant.
Genome position (GRCh38, 1-based): chr6:129,486,512, A deleted; the last of 2 consecutive A bases (chr6:129,486,511-129,486,512); deleting either gives the same sequence. VCF-style (leftmost placement, unchanged base first): chr6-129486510-GA-G. GRCh37 (hg19) VCF-style: chr6-129807655-GA-G.
Other names: c.7776del, p.Val2593fs (NM_001079823.2); short protein forms V2597fs, V2593fs.
Identifiers: ClinVar variation 2130666 (VCV002130666.4), dbSNP rs2533490645, ClinGen allele CA2580074970.

ClinVar aggregate classification (germline): Pathogenic (1 of 4 stars; one submission).

Conditions:
LAMA2-related muscular dystrophy (LAMA2-RD). Also called: Laminin alpha 2-related dystrophy. Identifiers: MedGen C5679788, MONDO:0100228.

Submission:

Labcorp Genetics (formerly Invitae), Labcorp
Classification: Pathogenic for LAMA2-related muscular dystrophy. Last evaluated: 2023-07-21. Review status: criteria provided, single submitter. Criteria: Invitae Variant Classification Sherloc (09022015). Collection method: clinical testing. Allele origin: germline.
Comment: For these reasons, this variant has been classified as Pathogenic. ClinVar contains an entry for this variant (Variation ID: 2130666). This variant has not been reported in the literature in individuals affected with LAMA2-related conditions. This variant is not present in population databases (gnomAD no frequency). This sequence change creates a premature translational stop signal (p.Val2597Cysfs*10) in the LAMA2 gene. It is expected to result in an absent or disrupted protein product. Loss-of-function variants in LAMA2 are known to be pathogenic (PMID: 18700894, 32904964).

Literature cited by the submitters: PubMed 18700894; PubMed 32904964.